The following is an entry in ClinVar:

ClinVar aggregate classification (germline): Uncertain significance (1 of 4 stars; one submission).

Conditions:
TECTA-related disorder. Also called: TECTA-related condition.

gnomAD v4.1: 5 of 1,614,092 alleles (0.00031%); highest among the groups gnomAD compares: African/African-American, 0.004%; no homozygotes.

Submission:

PreventionGenetics, part of Exact Sciences
Classification: Uncertain significance for TECTA-related condition. Last evaluated: 2025-04-16. Review status: criteria provided, single submitter. Criteria: ACMG Guidelines, 2015. Collection method: clinical testing. Allele origin: germline.
Comment: The TECTA c.5712C>G variant is predicted to result in the amino acid substitution p.Ile1904Met. To our knowledge, this variant has not been reported in the literature. This variant is reported in 0.011% of alleles in individuals of African descent in gnomAD. At this time, the clinical significance of this variant is uncertain due to the absence of conclusive functional and genetic evidence.

NM_005422.4(TECTA):c.5712C>G (p.Ile1904Met)

Genes: TBCEL-TECTA (TBCEL-TECTA readthrough; plus strand), TECTA (tectorin alpha; plus strand). Cytogenetic location: 11q23.3.
Variant type: single nucleotide variant.
Coding change: c.5712C>G on transcript NM_005422.4 (MANE Select); coding-DNA position 5712, C replaced by G.
Protein change: p.Ile1904Met; replaces isoleucine 1904 with methionine.
Molecular consequence: missense variant.
Genome position (GRCh38, 1-based): chr11:121,168,179, C>G. VCF-style: chr11-121168179-C-G. GRCh37 (hg19) VCF-style: chr11-121038888-C-G.
Other names: c.6654C>G, p.Ile2218Met (NM_001378761.1); short protein forms I2218M, I1904M.
Identifiers: ClinVar variation 4986259 (VCV004986259.1).
Genomic context (GRCh38, chr11:121,168,179, plus strand): 5'-CATCATCACCAGGGACCGCACGATCAATGTGGAATTTTCATGTGCTTATGAGCTGGATAT[C>G]AAGATCTCCTTGGATTCTGTTGTGAAGCCTATGCTAAGGTAAGGTGTCTCCTGGGCTGTG-3'
Protein context (NP_005413.2, residues 1894-1914): VEFSCAYELD[Ile1904Met]KISLDSVVKP